The following is an entry in ClinVar:

ClinVar aggregate classification (germline): Uncertain significance (1 of 4 stars; one submission).

Conditions:
POLD1-related polyposis and colorectal cancer syndrome (CRCS10). Also called: Colorectal cancer 10; COLORECTAL CANCER, SUSCEPTIBILITY TO, ON CHROMOSOME 19q; Colorectal cancer, susceptibility to, 10. Identifiers: Orphanet 220460, MedGen C2675481, MONDO:0012953, OMIM 612591.

Allele frequency attached by ClinVar (database versions not stated): gnomAD exomes below 0.00001; TOPMed 0.00001.
gnomAD v4.1: 1 of 1,614,058 alleles (0.000062%); highest among the groups gnomAD compares: Non-Finnish European, 0.000085%; no homozygotes.

Submission:

Labcorp Genetics (formerly Invitae), Labcorp
Classification: Uncertain significance for POLD1-related polyposis and colorectal cancer syndrome. Last evaluated: 2025-11-18. Review status: criteria provided, single submitter. Criteria: Invitae Variant Classification Sherloc (09022015). Collection method: clinical testing. Allele origin: germline.
Comment: This sequence change replaces alanine, which is neutral and non-polar, with threonine, which is neutral and polar, at codon 613 of the POLD1 protein (p.Ala613Thr). This variant is not present in population databases (gnomAD no frequency). This variant has not been reported in the literature in individuals affected with POLD1-related conditions. ClinVar contains an entry for this variant (Variation ID: 577622). Invitae Evidence Modeling of protein sequence and biophysical properties (such as structural, functional, and spatial information, amino acid conservation, physicochemical variation, residue mobility, and thermodynamic stability) has been performed for this missense variant. However, the output from this modeling did not meet the statistical confidence thresholds required to predict the impact of this variant on POLD1 protein function. In summary, the available evidence is currently insufficient to determine the role of this variant in disease. Therefore, it has been classified as a Variant of Uncertain Significance.

NM_002691.4(POLD1):c.1837G>A (p.Ala613Thr)

Gene: POLD1 (DNA polymerase delta 1, catalytic subunit; plus strand). Cytogenetic location: 19q13.33.
Variant type: single nucleotide variant.
Coding change: c.1837G>A on transcript NM_002691.4 (MANE Select); coding-DNA position 1837, G replaced by A.
Protein change: p.Ala613Thr; replaces alanine 613 with threonine.
Molecular consequence: missense variant. On other transcripts: non-coding transcript variant (1).
Genome position (GRCh38, 1-based): chr19:50,408,846, G>A. VCF-style: chr19-50408846-G-A. GRCh37 (hg19) VCF-style: chr19-50912103-G-A.
Other names: c.1837G>A, p.Ala613Thr (NM_001256849.1); c.1915G>A, p.Ala639Thr (NM_001308632.1); short protein forms A639T, A613T.
Identifiers: ClinVar variation 577622 (VCV000577622.8), dbSNP rs1237089094, ClinGen allele CA406982059.